The following is an entry in ClinVar:

ClinVar aggregate classification (germline): Uncertain significance (1 of 4 stars; one submission).

Allele frequency attached by ClinVar (database versions not stated): gnomAD exomes below 0.00001.
gnomAD v4.1: 1 of 1,613,652 alleles (0.000062%); highest among the groups gnomAD compares: South Asian, 0.0011%; no homozygotes.

Submission:

Labcorp Genetics (formerly Invitae), Labcorp
Classification: Uncertain significance. Last evaluated: 2022-12-15. Review status: criteria provided, single submitter. Criteria: Invitae Variant Classification Sherloc (09022015). Collection method: clinical testing. Allele origin: germline.
Comment: In summary, the available evidence is currently insufficient to determine the role of this variant in disease. Therefore, it has been classified as a Variant of Uncertain Significance. Algorithms developed to predict the effect of sequence changes on RNA splicing suggest that this variant may create or strengthen a splice site. This variant has not been reported in the literature in individuals affected with EEF2-related conditions. This variant is not present in population databases (gnomAD no frequency). This sequence change affects codon 78 of the EEF2 mRNA. It is a 'silent' change, meaning that it does not change the encoded amino acid sequence of the EEF2 protein.

NM_001961.4(EEF2):c.234C>T (p.Phe78=)

Gene: EEF2 (eukaryotic translation elongation factor 2; minus strand). Cytogenetic location: 19p13.3.
Variant type: single nucleotide variant.
Coding change: c.234C>T on transcript NM_001961.4 (MANE Select); coding-DNA position 234, C replaced by T.
Protein change: p.Phe78=; no amino-acid change (phenylalanine 78 retained).
Molecular consequence: synonymous variant.
Genome position (GRCh38, 1-based): chr19:3,983,276, G>A on the plus strand (C>T on the coding strand, the complement: EEF2 is on the minus strand). VCF-style: chr19-3983276-G-A. GRCh37 (hg19) VCF-style: chr19-3983274-G-A.
Identifiers: ClinVar variation 2871641 (VCV002871641.3), dbSNP rs2512207084, ClinGen allele CA504987611.